The following is an entry in ClinVar:

ClinVar aggregate classification (germline): Uncertain significance (1 of 4 stars; one submission).

Conditions:
Brunner syndrome (BRNRS). Identifiers: Orphanet 3057, MedGen C0796275, MONDO:0010379, OMIM 300615.

Submission:

Labcorp Genetics (formerly Invitae), Labcorp
Classification: Uncertain significance for Brunner syndrome. Last evaluated: 2021-08-04. Review status: criteria provided, single submitter. Criteria: Invitae Variant Classification Sherloc (09022015). Collection method: clinical testing. Allele origin: germline.
Comment: This variant is not present in population databases (ExAC no frequency). This sequence change replaces arginine with glutamine at codon 454 of the MAOA protein (p.Arg454Gln). The arginine residue is highly conserved and there is a small physicochemical difference between arginine and glutamine. This variant has not been reported in the literature in individuals with MAOA-related conditions. In summary, the available evidence is currently insufficient to determine the role of this variant in disease. Therefore, it has been classified as a Variant of Uncertain Significance. Algorithms developed to predict the effect of missense changes on protein structure and function are either unavailable or do not agree on the potential impact of this missense change (SIFT: "Tolerated"; PolyPhen-2: "Probably Damaging"; Align-GVGD: "Class C0").

NM_000240.4(MAOA):c.1361G>A (p.Arg454Gln)

Gene: MAOA (monoamine oxidase A; plus strand). Cytogenetic location: Xp11.3.
Variant type: single nucleotide variant.
Coding change: c.1361G>A on transcript NM_000240.4 (MANE Select); coding-DNA position 1361, G replaced by A.
Protein change: p.Arg454Gln; replaces arginine 454 with glutamine.
Molecular consequence: missense variant.
Genome position (GRCh38, 1-based): chrX:43,743,892, G>A. VCF-style: chrX-43743892-G-A. GRCh37 (hg19) VCF-style: chrX-43603139-G-A.
Other names: c.962G>A, p.Arg321Gln (NM_001270458.2); short protein forms R321Q, R454Q.
Identifiers: ClinVar variation 1407025 (VCV001407025.8), dbSNP rs2033978967, ClinGen allele CA413010403.